The following is an entry in ClinVar:

NM_001127496.3(SPRY4):c.231G>A (p.Thr77=)

Gene: SPRY4 (sprouty RTK signaling antagonist 4; minus strand). Cytogenetic location: 5q31.3.
Variant type: single nucleotide variant.
Coding change: c.231G>A on transcript NM_001127496.3 (MANE Select); coding-DNA position 231, G replaced by A.
Protein change: p.Thr77=; no amino-acid change (threonine 77 retained).
Molecular consequence: synonymous variant.
Genome position (GRCh38, 1-based): chr5:142,314,878, C>T on the plus strand (G>A on the coding strand, the complement: SPRY4 is on the minus strand). VCF-style: chr5-142314878-C-T. GRCh37 (hg19) VCF-style: chr5-141694443-C-T.
Other names: c.231G>A, p.Thr77= (NM_001293289.3, NM_001293290.3); c.300G>A, p.Thr100= (NM_030964.5).
Identifiers: ClinVar variation 731541 (VCV000731541.14), dbSNP rs143709567, ClinGen allele CA3485594.

ClinVar aggregate classification (germline): Benign/Likely benign. Review status: criteria provided, multiple submitters, no conflicts (2 of 4 stars). 4 submissions from 4 submitters: Benign (1); Likely benign (2). 1 of the submissions does not count toward it. Last evaluated 2025-11-17.

Conditions:
SPRY4-related disorder. Also called: SPRY4-related condition.

Allele frequency attached by ClinVar (database versions not stated): gnomAD 0.00064 and 0.00085; TOPMed 0.00080; ESP Exome Variant Server 0.00100; 1000 Genomes Project 30x 0.00109; 1000 Genomes Project 0.00120.
gnomAD v4.1: 2,601 of 1,597,144 alleles (0.16%); highest among the groups gnomAD compares: South Asian, 1.2%; 23 homozygotes.

Submissions (4):

Labcorp Genetics (formerly Invitae), Labcorp
Classification: Benign. Last evaluated: 2025-11-17. Review status: criteria provided, single submitter. Criteria: Invitae Variant Classification Sherloc (09022015). Collection method: clinical testing. Allele origin: germline.

GeneDx
Classification: Likely benign. Last evaluated: 2021-05-05. Review status: criteria provided, single submitter. Criteria: GeneDx Variant Classification Process June 2021. Collection method: clinical testing. Allele origin: germline. Affected: yes.

Breakthrough Genomics
Classification: Likely benign. Review status: criteria provided, single submitter. Criteria: ACMG Guidelines, 2015. Collection method: not provided. Allele origin: germline. Inheritance: Autosomal dominant inheritance. Affected: yes.

PreventionGenetics, part of Exact Sciences
Classification: Likely benign for SPRY4-related condition. Last evaluated: 2019-04-09. Review status: no assertion criteria provided. Collection method: clinical testing. Allele origin: germline. Not counted in ClinVar's aggregate classification.
Comment: This variant is classified as likely benign based on ACMG/AMP sequence variant interpretation guidelines (Richards et al. 2015 PMID: 25741868, with internal and published modifications).